The following is an entry in ClinVar:

ClinVar aggregate classification (germline): Benign (3 of 4 stars; one submission).

Conditions:
Hereditary thrombocytopenia and hematologic cancer predisposition syndrome. Identifiers: Orphanet 71290, MedGen CN281654, MONDO:0011071.

Submission:

ClinGen Myeloid Malignancy Variant Curation Expert Panel
Classification: Benign for Hereditary thrombocytopenia and hematologic cancer predisposition syndrome. Last evaluated: 2022-06-30. Review status: reviewed by expert panel. Criteria: ClinGen MyeloMalig ACMG Specifications v2. Collection method: curation. Allele origin: germline. Inheritance: Autosomal dominant inheritance.
Comment: This 3' UTR variant has a MAF of 0.028 (2.8%, 243/8618 alleles) in the African/African-American subpopulation of the gnomAD v2.1.1 cohort is ≥ 0.0015 (0.15%) (BA1). This variant is reported in 3 homozygotes in gnomAD v2.1.1 (BP2).In summary, this variant meets criteria to be classified as benign. ACMG/AMP criteria applied, as specified by the Myeloid Malignancy Variant Curation Expert Panel for RUNX1: BA1, BP2.

NM_001754.5(RUNX1):c.*730dup

Gene: RUNX1 (RUNX family transcription factor 1; minus strand). Cytogenetic location: 21q22.12.
Variant type: Duplication.
Coding change: c.*730dup on transcript NM_001754.5 (MANE Select); 730 bases downstream of the stop codon, one base duplicated (T; older notation c.*730dupT).
Molecular consequence: 3 prime UTR variant.
Genome position (GRCh38, 1-based): chr21:34,791,405, A duplicated on the plus strand (T on the coding strand, the reverse complement: RUNX1 is on the minus strand); the first of 5 consecutive A bases (chr21:34,791,405-34,791,409); duplicating any one gives the same sequence. VCF-style (leftmost placement, unchanged base first): chr21-34791404-T-TA. GRCh37 (hg19) VCF-style: chr21-36163701-T-TA.
Other names: c.*730dup (NM_001001890.3).
Identifiers: ClinVar variation 339855 (VCV000339855.6), dbSNP rs11424730, ClinGen allele CA10653571.
Genomic context (GRCh38, chr21:34,791,404, plus strand): 5'-TAAATGTCTGAACATCAAGATACATAAATATCTGGGGATTCCTTGTGGGAATACAGTAGT[T>TA]AAAAATGACCCAAAGCTGTAGCTGTTTCTCAAAAAAACAAAACAAAACAAAAAAAAACAA-3'